The following is an entry in ClinVar:

NM_000393.5(COL5A2):c.3656C>A (p.Pro1219Gln)

Gene: COL5A2 (collagen type V alpha 2 chain; minus strand). Cytogenetic location: 2q32.2.
Variant type: single nucleotide variant.
Coding change: c.3656C>A on transcript NM_000393.5 (MANE Select); coding-DNA position 3656, C replaced by A.
Protein change: p.Pro1219Gln; replaces proline 1219 with glutamine.
Molecular consequence: missense variant.
Genome position (GRCh38, 1-based): chr2:189,039,541, G>T on the plus strand (C>A on the coding strand, the complement: COL5A2 is on the minus strand). VCF-style: chr2-189039541-G-T. GRCh37 (hg19) VCF-style: chr2-189904267-G-T.
Other names: short protein forms P1219Q.
Identifiers: ClinVar variation 2704433 (VCV002704433.3), dbSNP rs1685515304, ClinGen allele CA349858097.

ClinVar aggregate classification (germline): Uncertain significance (1 of 4 stars; one submission).

Conditions:
Ehlers-Danlos syndrome, classic type, 1 (EDSCL1). Also called: EHLERS-DANLOS SYNDROME, GRAVIS TYPE; EHLERS-DANLOS SYNDROME, SEVERE CLASSIC TYPE; Ehlers-Danlos syndrome, type 1; Ehlers-Danlos Syndrome, Classic Type, COL5A1-Related; EDS I. Identifiers: MedGen C0268335, MONDO:0019567, OMIM 130000.

Submission:

Labcorp Genetics (formerly Invitae), Labcorp
Classification: Uncertain significance for Ehlers-Danlos syndrome, classic type, 1. Last evaluated: 2023-06-09. Review status: criteria provided, single submitter. Criteria: Invitae Variant Classification Sherloc (09022015). Collection method: clinical testing. Allele origin: germline.
Comment: This variant is not present in population databases (gnomAD no frequency). In summary, the available evidence is currently insufficient to determine the role of this variant in disease. Therefore, it has been classified as a Variant of Uncertain Significance. Advanced modeling of protein sequence and biophysical properties (such as structural, functional, and spatial information, amino acid conservation, physicochemical variation, residue mobility, and thermodynamic stability) performed at Invitae indicates that this missense variant is not expected to disrupt COL5A2 protein function. This variant has not been reported in the literature in individuals affected with COL5A2-related conditions. This sequence change replaces proline, which is neutral and non-polar, with glutamine, which is neutral and polar, at codon 1219 of the COL5A2 protein (p.Pro1219Gln).